The following is an entry in ClinVar:

NM_001134888.3(RTL1):c.2343C>G (p.Val781=)

Gene: RTL1 (retrotransposon Gag like 1; minus strand). Cytogenetic location: 14q32.2.
Variant type: single nucleotide variant.
Coding change: c.2343C>G on transcript NM_001134888.3 (MANE Select); coding-DNA position 2343, C replaced by G.
Protein change: p.Val781=; no amino-acid change (valine 781 retained).
Molecular consequence: synonymous variant.
Genome position (GRCh38, 1-based): chr14:100,882,446, G>C on the plus strand (C>G on the coding strand, the complement: RTL1 is on the minus strand). VCF-style: chr14-100882446-G-C. GRCh37 (hg19) VCF-style: chr14-101348783-G-C.
Other names: c.2343C>G, p.Val781= (NM_001425285.1).
Identifiers: ClinVar variation 4084473 (VCV004084473.8).

ClinVar aggregate classification (germline): Likely benign (1 of 4 stars; one submission).

Submission:

CeGaT Center for Human Genetics Tuebingen
Classification: Likely benign. Last evaluated: 2025-08-01. Review status: criteria provided, single submitter. Criteria: CeGaT Center For Human Genetics Tuebingen Variant Classification Criteria Version 2. Collection method: clinical testing. Allele origin: germline. Affected: yes. Observed: 1 variant allele.
Comment: RTL1: BP4, BP7